The following is an entry in ClinVar:

NM_014231.5(VAMP1):c.66del (p.Gly23fs)

Genes: TAPBPL (TAP binding protein like; plus strand), VAMP1 (vesicle associated membrane protein 1; minus strand). Cytogenetic location: 12p13.31.
Variant type: Deletion.
Coding change: c.66del on transcript NM_014231.5 (MANE Select); coding-DNA position 66, one base deleted (T; older notation c.66delT).
Protein change: p.Gly23fs; shifts the reading frame from glycine 23.
Molecular consequence: frameshift variant.
Genome position (GRCh38, 1-based): chr12:6,466,288, A deleted on the plus strand (T on the coding strand, the reverse complement: VAMP1 is on the minus strand). VCF-style (leftmost placement, unchanged base first): chr12-6466287-CA-C. GRCh37 (hg19) VCF-style: chr12-6575453-CA-C.
Other names: c.66del, p.Gly23fs (NM_001297438.2, NM_016830.4, NM_199245.3); short protein forms G23fs.
Identifiers: ClinVar variation 1806952 (VCV001806952.8), dbSNP rs750911197, ClinGen allele CA6407721.

ClinVar aggregate classification (germline): Conflicting classifications of pathogenicity. Review status: criteria provided, conflicting classifications (1 of 4 stars). 4 submissions from 4 submitters: Pathogenic (3); Uncertain significance (1). Last evaluated 2025-03-24.

Conditions:
Myasthenic syndrome, congenital, 25, presynaptic. Also called: Myasthenic syndrome, congenital, 25. Identifiers: MedGen C5193027, MONDO:0032675, OMIM 618323.
Spastic paraplegia. Identifiers: MedGen C0037772, HP:0001258.

Allele frequency attached by ClinVar (database versions not stated): ExAC 0.00001; gnomAD exomes below 0.00001; TOPMed 0.00002.

Submissions (4):

Variantyx, Inc.
Classification: Pathogenic for Myasthenic syndrome, congenital, 25, presynaptic. Last evaluated: 2025-03-24. Review status: criteria provided, single submitter. Criteria: Variantyx Assertion Criteria 2022. Collection method: clinical testing. Allele origin: paternal. Inheritance: Autosomal recessive inheritance.
Comment: This is a frameshift variant in the VAMP1 gene (OMIM: 185880). Pathogenic variants in this gene have been associated with autosomal recessive congenital myasthenic syndrome 25. The alteration creates a frameshift in exon 2 out of 5 exons resulting in a truncated protein that is predicted to undergo nonsense mediated decay (NMD). Loss of function is a known mechanism of disease (PMID: 28253535, 37721175) (PVS1). This variant has a 0.0004% maximum allele frequency in non-founder control populations. This variant has been observed in individuals with autosomal recessive congenital myasthenic syndrome (PMID: 33631708, 37721175) (PM2). Based on this evidence, this variant has been classified as pathogenic.

GeneDx
Classification: Uncertain significance. Last evaluated: 2024-10-15. Review status: criteria provided, single submitter. Criteria: GeneDx Variant Classification Process June 2021. Collection method: clinical testing. Allele origin: germline. Affected: yes.
Comment: Frameshift variant predicted to result in protein truncation or nonsense mediated decay in a gene or region of a gene for which loss of function is not a well-established mechanism of disease; This variant is associated with the following publications: (PMID: 37721175, 33631708)

Labcorp Genetics (formerly Invitae), Labcorp
Classification: Pathogenic for Spastic paraplegia. Last evaluated: 2022-07-15. Review status: criteria provided, single submitter. Criteria: Invitae Variant Classification Sherloc (09022015). Collection method: clinical testing. Allele origin: germline.
Comment: This variant is present in population databases (rs750911197, gnomAD 0.006%). This premature translational stop signal has been observed in individual(s) with autosomal recessive congenital myasthenic syndrome (PMID: 33631708). For these reasons, this variant has been classified as Pathogenic. This sequence change creates a premature translational stop signal (p.Gly23Alafs*6) in the VAMP1 gene. It is expected to result in an absent or disrupted protein product. Loss-of-function variants in VAMP1 are known to be pathogenic (PMID: 28253535).

Athena Diagnostics
Classification: Pathogenic. Last evaluated: 2021-10-05. Review status: criteria provided, single submitter. Criteria: Athena Diagnostics Criteria. Collection method: clinical testing. Allele origin: unknown.
Comment: This variant is expected to result in the loss of a functional protein. The frequency of this variant in the general population is consistent with pathogenicity.

Literature cited by the submitters: PubMed 28253535 (cited by Variantyx, Inc. and Labcorp Genetics (formerly Invitae), Labcorp); PubMed 37721175 (cited by Variantyx, Inc.); PubMed 33631708 (cited by 3 submitters).